The following is an entry in ClinVar:

ClinVar aggregate classification (germline): Likely pathogenic (1 of 4 stars; one submission).

Conditions:
Congenital myotonia, autosomal dominant form (THD). Also called: THOMSEN DISEASE; Myotonia congenita autosomal dominant. Identifiers: Orphanet 614, MedGen C2936781, MONDO:0008055, OMIM 160800.

Submission:

Diagnostics Services (NGS), CSIR - Centre For Cellular And Molecular Biology
Classification: Likely pathogenic for Congenital myotonia, autosomal dominant form. Last evaluated: 2023-10-03. Review status: criteria provided, single submitter. Criteria: ACMG Guidelines, 2015. Collection method: clinical testing. Allele origin: unknown. Affected: yes. Observed: 1 variant allele, 1 heterozygote.
Comment: The c.869T>C variant is not present in publicly available population databases like 1000 Genomes, EVS, ExAC, gnomAD, Indian Exome Database or our in-house exome database. This variant has neither been reported in the literature in individuals with CLCN1-related conditions nor reported to clinical databases like ClinVar, Human Genome Mutation Database (HGMD) or OMIM in any affected individuals. In-silico pathogenicity programs like SIFT, PolyPhen-2, MutationTaster2, CADD, Varsome, Franklin etc predicted this variant to be likely deleterious however these predictions were not confirmed by published functional studies. This variant is located in a mutational hotspot region of the gene and a different amino acid change in the same codon (c.870C>G, p.Ile290Met) has been previously observed in affected individuals, published in literature several times and reported to the clinical databases as ‘Pathogenic’, by multiple submitters.

NM_000083.3(CLCN1):c.869T>C (p.Ile290Thr)

Gene: CLCN1 (chloride voltage-gated channel 1; plus strand). Cytogenetic location: 7q34.
Variant type: single nucleotide variant.
Coding change: c.869T>C on transcript NM_000083.3 (MANE Select); coding-DNA position 869, T replaced by C.
Protein change: p.Ile290Thr; replaces isoleucine 290 with threonine.
Molecular consequence: missense variant. On other transcripts: non-coding transcript variant (1).
Genome position (GRCh38, 1-based): chr7:143,330,787, T>C. VCF-style: chr7-143330787-T-C. GRCh37 (hg19) VCF-style: chr7-143027880-T-C.
Other names: short protein forms I290T.
Identifiers: ClinVar variation 2583181 (VCV002583181.1), dbSNP rs2487056938, ClinGen allele CA369641520.